The following is an entry in ClinVar:

NM_004525.3(LRP2):c.7777G>A (p.Val2593Ile)

Gene: LRP2 (LDL receptor related protein 2; minus strand). Cytogenetic location: 2q31.1.
Variant type: single nucleotide variant.
Coding change: c.7777G>A on transcript NM_004525.3 (MANE Select); coding-DNA position 7777, G replaced by A.
Protein change: p.Val2593Ile; replaces valine 2593 with isoleucine.
Molecular consequence: missense variant.
Genome position (GRCh38, 1-based): chr2:169,204,210, C>T on the plus strand (G>A on the coding strand, the complement: LRP2 is on the minus strand). VCF-style: chr2-169204210-C-T. GRCh37 (hg19) VCF-style: chr2-170060720-C-T.
Other names: short protein forms V2593I.
Identifiers: ClinVar variation 1470383 (VCV001470383.3), dbSNP rs780178609, ClinGen allele CA1954003.

ClinVar aggregate classification (germline): Uncertain significance (1 of 4 stars; one submission).

Allele frequency attached by ClinVar (database versions not stated): TOPMed 0.00001; gnomAD exomes 0.00001; ExAC 0.00001; gnomAD 0.00001.
gnomAD v4.1: 19 of 1,613,932 alleles (0.0012%); highest among the groups gnomAD compares: African/African-American, 0.004%; no homozygotes.

Submission:

Labcorp Genetics (formerly Invitae), Labcorp
Classification: Uncertain significance. Last evaluated: 2022-11-01. Review status: criteria provided, single submitter. Criteria: Invitae Variant Classification Sherloc (09022015). Collection method: clinical testing. Allele origin: germline.
Comment: This sequence change replaces valine, which is neutral and non-polar, with isoleucine, which is neutral and non-polar, at codon 2593 of the LRP2 protein (p.Val2593Ile). This variant is present in population databases (rs780178609, gnomAD 0.003%). This variant has not been reported in the literature in individuals affected with LRP2-related conditions. ClinVar contains an entry for this variant (Variation ID: 1470383). Advanced modeling of protein sequence and biophysical properties (such as structural, functional, and spatial information, amino acid conservation, physicochemical variation, residue mobility, and thermodynamic stability) performed at Invitae indicates that this missense variant is not expected to disrupt LRP2 protein function. In summary, the available evidence is currently insufficient to determine the role of this variant in disease. Therefore, it has been classified as a Variant of Uncertain Significance.